The following is an entry in ClinVar:

ClinVar aggregate classification (germline): Uncertain significance (1 of 4 stars; one submission).

Conditions:
Multiple endocrine neoplasia, type 1 (MEN1). Also called: MEN I; WERMER SYNDROME; Endocrine adenomatosis multiple; MEN 1; MEA I. Identifiers: Orphanet 652, MedGen C0025267, MeSH D018761, MONDO:0007540, OMIM 131100.

Submission:

Labcorp Genetics (formerly Invitae), Labcorp
Classification: Uncertain significance for Multiple endocrine neoplasia, type 1. Last evaluated: 2025-05-25. Review status: criteria provided, single submitter. Criteria: Invitae Variant Classification Sherloc (09022015). Collection method: clinical testing. Allele origin: germline.
Comment: This variant, c.1391_1396dup, results in the insertion of 2 amino acid(s) of the MEN1 protein (p.Ala464_Ala465dup), but otherwise preserves the integrity of the reading frame. This variant is not present in population databases (gnomAD no frequency). This variant has not been reported in the literature in individuals affected with MEN1-related conditions. ClinVar contains an entry for this variant (Variation ID: 527282). Experimental studies and prediction algorithms are not available or were not evaluated, and the functional significance of this variant is currently unknown. In summary, the available evidence is currently insufficient to determine the role of this variant in disease. Therefore, it has been classified as a Variant of Uncertain Significance.

NM_001370259.2(MEN1):c.1391_1396dup (p.Ala464_Ala465dup)

Gene: MEN1 (menin 1; minus strand). Cytogenetic location: 11q13.1.
Variant type: Duplication.
Coding change: c.1391_1396dup on transcript NM_001370259.2 (MANE Select); coding-DNA positions 1391 to 1396, 6 bases duplicated (CGGCCG; older notation c.1391_1396dupCGGCCG).
Protein change: p.Ala464_Ala465dup.
Molecular consequence: inframe insertion.
Genome position (GRCh38, 1-based): chr11:64,804,771-64,804,776, CGGCCG duplicated on the plus strand (CGGCCG on the coding strand, the reverse complement: MEN1 is on the minus strand); duplicating any 6 consecutive bases within chr11:64,804,771-64,804,777 gives the same sequence; the c. name uses the placement nearest the transcript's 3' end. VCF-style (leftmost placement, unchanged base first): chr11-64804770-T-TCGGCCG. GRCh37 (hg19) VCF-style: chr11-64572242-T-TCGGCCG.
Other names: c.1391_1396dupCGGCCG (NM_130799.2); c.1406_1411dup, p.Ala469_Ala470dup (NM_000244.4, NM_130800.3, NM_130801.3 and 3 more transcripts); c.1517_1522dup, p.Ala506_Ala507dup (NM_001370251.2); c.1391_1396dup, p.Ala464_Ala465dup (NM_001370260.2, NM_001370261.2, NM_130799.3); c.1286_1291dup, p.Ala429_Ala430dup (NM_001370262.2, NM_001370263.2).
Identifiers: ClinVar variation 527282 (VCV000527282.9), dbSNP rs1555163821, ClinGen allele CA658797664.